The following is an entry in ClinVar:

NM_014055.4(IFT81):c.769G>A (p.Ala257Thr)

Gene: IFT81 (intraflagellar transport 81; plus strand). Cytogenetic location: 12q24.11.
Variant type: single nucleotide variant.
Coding change: c.769G>A on transcript NM_014055.4 (MANE Select); coding-DNA position 769, G replaced by A.
Protein change: p.Ala257Thr; replaces alanine 257 with threonine.
Molecular consequence: missense variant. On other transcripts: initiator codon variant (2), non-coding transcript variant (4).
Genome position (GRCh38, 1-based): chr12:110,136,848, G>A. VCF-style: chr12-110136848-G-A. GRCh37 (hg19) VCF-style: chr12-110574653-G-A.
Other names: c.769G>A, p.Ala257Thr (NM_001143779.2, NM_001347946.2, NM_031473.4); c.3G>A, p.Met1Ile (NM_001347947.2, NM_001347948.2); short protein forms A257T, M1I.
Identifiers: ClinVar variation 1480956 (VCV001480956.8), dbSNP rs1383040754, ClinGen allele CA386910653.

ClinVar aggregate classification (germline): Uncertain significance (1 of 4 stars; one submission).

Allele frequency attached by ClinVar (database versions not stated): gnomAD 0.00001.

Submission:

Labcorp Genetics (formerly Invitae), Labcorp
Classification: Uncertain significance. Last evaluated: 2024-02-24. Review status: criteria provided, single submitter. Criteria: Invitae Variant Classification Sherloc (09022015). Collection method: clinical testing. Allele origin: germline.
Comment: This sequence change replaces alanine, which is neutral and non-polar, with threonine, which is neutral and polar, at codon 257 of the IFT81 protein (p.Ala257Thr). This variant is present in population databases (no rsID available, gnomAD 0.007%). This variant has not been reported in the literature in individuals affected with IFT81-related conditions. ClinVar contains an entry for this variant (Variation ID: 1480956). Advanced modeling of protein sequence and biophysical properties (such as structural, functional, and spatial information, amino acid conservation, physicochemical variation, residue mobility, and thermodynamic stability) performed at Invitae indicates that this missense variant is not expected to disrupt IFT81 protein function with a negative predictive value of 80%. In summary, the available evidence is currently insufficient to determine the role of this variant in disease. Therefore, it has been classified as a Variant of Uncertain Significance.